The following is an entry in ClinVar:

ClinVar aggregate classification (germline): Uncertain significance (1 of 4 stars; one submission).

Conditions:
X-linked Emery-Dreifuss muscular dystrophy. Also called: Muscular dystrophy, tardive Emery-Dreifuss type, with contractures. Identifiers: Orphanet 261, Orphanet 98863, MedGen C0751337, MONDO:0010680.

Submission:

Labcorp Genetics (formerly Invitae), Labcorp
Classification: Uncertain significance for X-linked Emery-Dreifuss muscular dystrophy. Last evaluated: 2025-04-20. Review status: criteria provided, single submitter. Criteria: Invitae Variant Classification Sherloc (09022015). Collection method: clinical testing. Allele origin: germline.
Comment: This sequence change falls in intron 5 of the EMD gene. It does not directly change the encoded amino acid sequence of the EMD protein. It affects a nucleotide within the consensus splice site. This variant is not present in population databases (gnomAD no frequency). This variant has not been reported in the literature in individuals affected with EMD-related conditions. Variants that disrupt the consensus splice site are a relatively common cause of aberrant splicing (PMID: 17576681, 9536098). Algorithms developed to predict the effect of sequence changes on RNA splicing suggest that this variant may disrupt the consensus splice site. In summary, the available evidence is currently insufficient to determine the role of this variant in disease. Therefore, it has been classified as a Variant of Uncertain Significance.

Literature cited by the submitters: PubMed 17576681; PubMed 9536098.

NM_000117.3(EMD):c.449+3G>C

Gene: EMD (emerin; plus strand). Cytogenetic location: Xq28.
Variant type: single nucleotide variant.
Coding change: c.449+3G>C on transcript NM_000117.3 (MANE Select); 3 bases into the intron after coding-DNA position 449, G replaced by C.
Molecular consequence: intron variant.
Genome position (GRCh38, 1-based): chrX:154,380,805, G>C. VCF-style: chrX-154380805-G-C. GRCh37 (hg19) VCF-style: chrX-153609165-G-C.
Identifiers: ClinVar variation 4739840 (VCV004739840.1).